The following is an entry in ClinVar:

ClinVar aggregate classification (germline): Uncertain significance. Review status: criteria provided, multiple submitters, no conflicts (2 of 4 stars). 4 submissions from 4 submitters: Uncertain significance (4). Last evaluated 2026-04-01.

Conditions:
USH2A-related disorder. Also called: USH2A-related condition; USH2A-related disorders. Identifiers: MedGen CN239332.
Inborn genetic diseases. Identifiers: MedGen C0950123, MeSH D030342.

Allele frequency attached by ClinVar (database versions not stated): gnomAD 0.00001; gnomAD exomes 0.00001; TOPMed 0.00002.
gnomAD v4.1: 16 of 1,613,964 alleles (0.00099%); highest among the groups gnomAD compares: Non-Finnish European, 0.0013%; no homozygotes.

Submissions (4):

PreventionGenetics, part of Exact Sciences
Classification: Uncertain significance for USH2A-related condition. Last evaluated: 2026-04-01. Review status: criteria provided, single submitter. Criteria: ACMG Guidelines, 2015. Collection method: clinical testing. Allele origin: germline.
Comment: The USH2A c.13859G>A variant is predicted to result in the amino acid substitution p.Ser4620Asn. To our knowledge, this variant has not been reported in the literature or in a large population database (gnomAD), indicating this variant is rare. At this time, the clinical significance of this variant is uncertain due to the absence of conclusive functional and genetic evidence.

Ambry Genetics
Classification: Uncertain significance for Inborn genetic diseases. Last evaluated: 2026-02-17. Review status: criteria provided, single submitter. Criteria: Ambry Variant Classification Scheme 2023. Collection method: clinical testing. Allele origin: germline.

Labcorp Genetics (formerly Invitae), Labcorp
Classification: Uncertain significance. Last evaluated: 2025-01-13. Review status: criteria provided, single submitter. Criteria: Invitae Variant Classification Sherloc (09022015). Collection method: clinical testing. Allele origin: germline.
Comment: This sequence change replaces serine, which is neutral and polar, with asparagine, which is neutral and polar, at codon 4620 of the USH2A protein (p.Ser4620Asn). This variant is not present in population databases (gnomAD no frequency). This variant has not been reported in the literature in individuals affected with USH2A-related conditions. ClinVar contains an entry for this variant (Variation ID: 2143062). Invitae Evidence Modeling of protein sequence and biophysical properties (such as structural, functional, and spatial information, amino acid conservation, physicochemical variation, residue mobility, and thermodynamic stability) has been performed for this missense variant. However, the output from this modeling did not meet the statistical confidence thresholds required to predict the impact of this variant on USH2A protein function. In summary, the available evidence is currently insufficient to determine the role of this variant in disease. Therefore, it has been classified as a Variant of Uncertain Significance.

Blueprint Genetics
Classification: Uncertain significance. Last evaluated: 2024-06-10. Review status: criteria provided, single submitter. Criteria: ACMG Guidelines, 2015. Collection method: clinical testing. Allele origin: germline.

NM_206933.4(USH2A):c.13859G>A (p.Ser4620Asn)

Gene: USH2A (usherin; minus strand). Cytogenetic location: 1q41.
Variant type: single nucleotide variant.
Coding change: c.13859G>A on transcript NM_206933.4 (MANE Select); coding-DNA position 13859, G replaced by A.
Protein change: p.Ser4620Asn; replaces serine 4620 with asparagine.
Molecular consequence: missense variant.
Genome position (GRCh38, 1-based): chr1:215,671,246, C>T on the plus strand (G>A on the coding strand, the complement: USH2A is on the minus strand). VCF-style: chr1-215671246-C-T. GRCh37 (hg19) VCF-style: chr1-215844588-C-T.
Other names: c.13859G>A (NM_206933.2); short protein forms S4620N.
Identifiers: ClinVar variation 2143062 (VCV002143062.6), dbSNP rs1457896247, ClinGen allele CA344841794.